The following is an entry in ClinVar:

NM_001018005.2(TPM1):c.182C>G (p.Ser61Cys)

Gene: TPM1 (tropomyosin 1; plus strand). Cytogenetic location: 15q22.2.
Variant type: single nucleotide variant.
Coding change: c.182C>G on transcript NM_001018005.2 (MANE Select); coding-DNA position 182, C replaced by G.
Protein change: p.Ser61Cys; replaces serine 61 with cysteine.
Molecular consequence: missense variant. On other transcripts: intron variant (3).
Genome position (GRCh38, 1-based): chr15:63,044,094, C>G. VCF-style: chr15-63044094-C-G. GRCh37 (hg19) VCF-style: chr15-63336293-C-G.
Other names: c.182C>G, p.Ser61Cys (NM_000366.6, NM_001018004.2, NM_001018006.2 and 3 more transcripts); c.308C>G, p.Ser103Cys (NM_001365778.1); c.240+263C>G (NM_001018020.2, NM_001018007.2, NM_001301244.2); short protein forms S61C, S103C.
Identifiers: ClinVar variation 843121 (VCV000843121.14), dbSNP rs2031863455, ClinGen allele CA392718626.
Genomic context (GRCh38, chr15:63,044,094, plus strand): 5'-ATGAGCTGGTGTCACTGCAAAAGAAACTCAAGGGCACCGAAGATGAACTGGACAAATACT[C>G]TGAGGCTCTCAAAGATGCCCAGGAGAAGCTGGAGCTGGCAGAGAAAAAGGCCACCGATGT-3'
Protein context (NP_001018005.1, residues 51-71): KGTEDELDKY[Ser61Cys]EALKDAQEKL

ClinVar aggregate classification (germline): Conflicting classifications of pathogenicity. Review status: criteria provided, conflicting classifications (1 of 4 stars). 5 submissions from 5 submitters: Likely pathogenic (1); Uncertain significance (4). Last evaluated 2025-12-24.

Conditions:
Cardiovascular phenotype. Identifiers: MedGen CN230736.
Cardiomyopathy (CMYO). Also called: Cardiomyopathies. Identifiers: Orphanet 167848, MedGen C0878544, MONDO:0004994, HP:0001638. Inheritance: Various modes of inheritance.
Hypertrophic cardiomyopathy. Also called: HYPERTROPHIC MYOCARDIOPATHY. Identifiers: Orphanet 217569, MedGen C0007194, MeSH D002312, MONDO:0005045, HP:0001639.

Allele frequency attached by ClinVar (database versions not stated): gnomAD exomes 0.00001.
gnomAD v4.1: 18 of 1,614,190 alleles (0.0011%); highest among the groups gnomAD compares: Non-Finnish European, 0.0015%; no homozygotes.

Submissions (5):

Labcorp Genetics (formerly Invitae), Labcorp
Classification: Uncertain significance for Hypertrophic cardiomyopathy. Last evaluated: 2025-12-24. Review status: criteria provided, single submitter. Criteria: Invitae Variant Classification Sherloc (09022015). Collection method: clinical testing. Allele origin: germline.
Comment: This sequence change replaces serine, which is neutral and polar, with cysteine, which is neutral and slightly polar, at codon 61 of the TPM1 protein (p.Ser61Cys). This variant is not present in population databases (gnomAD no frequency). This missense change has been observed in individual(s) with hypertrophic cardiomyopathy (PMID: 24793961). ClinVar contains an entry for this variant (Variation ID: 843121). An algorithm developed to predict the effect of missense changes on protein structure and function (PolyPhen-2) suggests that this variant is likely to be disruptive. In summary, the available evidence is currently insufficient to determine the role of this variant in disease. Therefore, it has been classified as a Variant of Uncertain Significance.

Ambry Genetics
Classification: Uncertain significance for Cardiovascular phenotype. Last evaluated: 2025-04-14. Review status: criteria provided, single submitter. Criteria: Ambry Variant Classification Scheme 2023. Collection method: clinical testing. Allele origin: germline.
Comment: The p.S61C variant (also known as c.182C>G), located in coding exon 2 of the TPM1 gene, results from a C to G substitution at nucleotide position 182. The serine at codon 61 is replaced by cysteine, an amino acid with dissimilar properties. This variant has been reported in a hypertrophic cardiomyopathy (HCM) cohort (Bos JM et al. Mayo Clin Proc, 2014 Jun;89:727-37). This amino acid position is highly conserved in available vertebrate species. In addition, this alteration is predicted to be deleterious by in silico analysis. Based on the available evidence, the clinical significance of this variant remains unclear.

GeneDx
Classification: Likely pathogenic. Last evaluated: 2025-03-07. Review status: criteria provided, single submitter. Criteria: GeneDx Variant Classification Process June 2021. Collection method: clinical testing. Allele origin: germline. Affected: yes.
Comment: Not observed at significant frequency in large population cohorts (gnomAD); In silico analysis supports that this missense variant has a deleterious effect on protein structure/function; This variant is associated with the following publications: (PMID: 24793961)

All of Us Research Program, National Institutes of Health
Classification: Uncertain significance for Hypertrophic cardiomyopathy. Last evaluated: 2024-06-09. Review status: criteria provided, single submitter. Criteria: ACMG Guidelines, 2015. Collection method: clinical testing. Allele origin: germline. Inheritance: Autosomal dominant inheritance. Observed: 1 variant allele, 1 heterozygote.
Comment: This missense variant replaces serine with cysteine at codon 61 of the TPM1 protein. Computational prediction is inconclusive regarding the impact of this variant on protein structure and function (internally defined REVEL score threshold 0.5 < inconclusive < 0.7, PMID: 27666373). To our knowledge, functional studies have not been reported for this variant. This variant has been reported in an individual affected with hypertrophic cardiomyopathy (PMID: 24793961). This variant has not been identified in the general population by the Genome Aggregation Database (gnomAD). The available evidence is insufficient to determine the role of this variant in disease conclusively. Therefore, this variant is classified as a Variant of Uncertain Significance.

This study involves interpretation of variants in research participants for the purpose of population health screening. Participant phenotype was not available at the time of variant classification. Additional details can be found in publication PMID: 35346344, PMCID: PMC8962531

Color Diagnostics, LLC DBA Color Health
Classification: Uncertain significance for Cardiomyopathy. Last evaluated: 2024-05-13. Review status: criteria provided, single submitter. Criteria: ACMG Guidelines, 2015. Collection method: clinical testing. Allele origin: germline.
Comment: This missense variant replaces serine with cysteine at codon 61 of the TPM1 protein. Computational prediction tools indicate that this variant's impact on protein structure and function is inconclusive. To our knowledge, functional studies have not been reported for this variant. This variant has been reported in one individual affected with hypertrophic cardiomyopathy (PMID: 24793961). This variant has not been identified in the general population by the Genome Aggregation Database (gnomAD). The available evidence is insufficient to determine the role of this variant in disease conclusively. Therefore, this variant is classified as a Variant of Uncertain Significance.

Literature cited by the submitters: PubMed 24793961 (cited by 4 submitters).